The following is an entry in ClinVar:

ClinVar aggregate classification (germline): Pathogenic/Likely pathogenic. Review status: criteria provided, multiple submitters, no conflicts (2 of 4 stars). 2 submissions from 2 submitters: Pathogenic (1); Likely pathogenic (1). Last evaluated 2024-07-18.

Conditions:
Ornithine aminotransferase deficiency (GACR). Also called: OKT DEFICIENCY; Ornithine ketoacid aminotransferase deficiency; Gyrate atrophy; Gyrate atrophy of choroid and retina; Girate atrophy of the retina; OAT DEFICIENCY. Identifiers: Orphanet 414, MedGen C0018425, MONDO:0009796, OMIM 258870.

Allele frequency attached by ClinVar (database versions not stated): gnomAD exomes below 0.00001.
gnomAD v4.1: 1 of 1,614,060 alleles (0.000062%); highest among the groups gnomAD compares: East Asian, 0.0022%; no homozygotes.

Submissions (2):

Natera, Inc.
Classification: Likely pathogenic for Gyrate atrophy. Last evaluated: 2024-07-18. Review status: criteria provided, single submitter. Criteria: Natera Variant Classification Schema (03/2026). Collection method: clinical testing. Allele origin: germline.
Comment: The c.1163G>A variant in OAT is a nonsense variant predicted to introduce a stop codon at amino acid 388. This variant is expected to result in nonsense mediated decay, truncation, or a dysfunctional protein product. This variant is rare in the general population with a frequency below the threshold expected for the associated phenotype(s). Given the available evidence, this variant is classified as Likely Pathogenic.

Labcorp Genetics (formerly Invitae), Labcorp
Classification: Pathogenic for Ornithine aminotransferase deficiency. Last evaluated: 2021-03-07. Review status: criteria provided, single submitter. Criteria: Invitae Variant Classification Sherloc (09022015). Collection method: clinical testing. Allele origin: germline.
Comment: This variant is not present in population databases (ExAC no frequency). For these reasons, this variant has been classified as Pathogenic. This variant disrupts the C-terminus of the OAT protein. Other variant(s) that disrupt this region (p.Arg426*) have been determined to be pathogenic (PMID:1609808, 24429551, 23076989). This suggests that variants that disrupt this region of the protein are likely to be causative of disease. Algorithms developed to predict the effect of sequence changes on RNA splicing suggest that this variant may create or strengthen a splice site, but this prediction has not been confirmed by published transcriptional studies. This variant has not been reported in the literature in individuals with OAT-related conditions. This sequence change creates a premature translational stop signal (p.Trp388*) in the OAT gene. While this is not anticipated to result in nonsense mediated decay, it is expected to disrupt the last 52 amino acid(s) of the OAT protein.

Literature cited by the submitters: PubMed 1609808 (cited by Labcorp Genetics (formerly Invitae), Labcorp); PubMed 24429551 (cited by Labcorp Genetics (formerly Invitae), Labcorp); PubMed 23076989 (cited by Labcorp Genetics (formerly Invitae), Labcorp).

NM_000274.4(OAT):c.1163G>A (p.Trp388Ter)

Gene: OAT (ornithine aminotransferase; minus strand). Cytogenetic location: 10q26.13.
Variant type: single nucleotide variant.
Coding change: c.1163G>A on transcript NM_000274.4 (MANE Select); coding-DNA position 1163, G replaced by A.
Protein change: p.Trp388Ter; replaces tryptophan 388 with a stop codon.
Molecular consequence: nonsense.
Genome position (GRCh38, 1-based): chr10:124,398,099, C>T on the plus strand (G>A on the coding strand, the complement: OAT is on the minus strand). VCF-style: chr10-124398099-C-T. GRCh37 (hg19) VCF-style: chr10-126086668-C-T.
Other names: c.749G>A, p.Trp250Ter (NM_001171814.2); c.1163G>A, p.Trp388Ter (NM_001322965.2, NM_001322966.2, NM_001322967.2 and 3 more transcripts); c.842G>A, p.Trp281Ter (NM_001322971.2); c.563G>A, p.Trp188Ter (NM_001322974.2); c.1163G>A (NM_000274.3); short protein forms W250*, W388*, W281*, W188*.
Identifiers: ClinVar variation 1411610 (VCV001411610.9), dbSNP rs2134440659, ClinGen allele CA378633273.